The following is an entry in ClinVar:

ClinVar aggregate classification (germline): Pathogenic/Likely pathogenic. Review status: criteria provided, multiple submitters, no conflicts (2 of 4 stars). 5 submissions from 5 submitters: Pathogenic (3); Likely pathogenic (1). 1 of the submissions does not count toward it. Last evaluated 2026-02-26.

Conditions:
Cystic renal disease.
Polycystic kidney disease 9, susceptibility to. Identifiers: MedGen C6012712, MONDO:0976267, OMIM 621164.
Saldino-Mainzer syndrome (SRTD9). Also called: short-rib thoracic dysplasia 9 with or without polydactyly; CONORENAL SYNDROME; SHORT-RIB THORACIC DYSPLASIA 9 WITHOUT POLYDACTYLY; Renal dysplasia, retinal pigmentary dystrophy, cerebellar ataxia and skeletal dysplasia. Identifiers: Orphanet 140969, MedGen C1849437, MONDO:0009964, OMIM 266920.
Retinitis pigmentosa 80 (RP80). Identifiers: MedGen C4540439, MONDO:0054708, OMIM 617781.

gnomAD v4.1: 8 of 1,614,058 alleles (0.0005%); highest among the groups gnomAD compares: East Asian, 0.0022%; no homozygotes.

Submissions (5):

Genetics Laboratory, Great Ormond Street Hospital NHS Foundation Trust, North Thames Genomic Laboratory Hub
Classification: Likely pathogenic for Cystic renal disease. Last evaluated: 2026-02-26. Review status: criteria provided, single submitter. Criteria: ACGS Best Practice Guidelines for Variant Classification in Rare Disease 2024 v1.2. Collection method: clinical testing. Allele origin: germline. Affected: yes.
Comment: PS4_supporting, PVS1_very-strong

3billion
Classification: Pathogenic for Polycystic kidney disease 9, susceptibility to. Last evaluated: 2025-10-31. Review status: criteria provided, single submitter. Criteria: ACMG Guidelines, 2015. Collection method: clinical testing. Allele origin: germline. Affected: yes.
Comment: The variant is observed at an extremely low frequency in the gnomAD v4.1.0 dataset (total allele frequency: <0.001%). Predicted Consequence/Location: Stop-gained (nonsense): predicted to result in a loss or disruption of normal protein function through nonsense-mediated decay (NMD) or protein truncation. Multiple pathogenic variants are reported downstream of the variant. The variant has been reported at least twice as pathogenic without evidence for the classification (ClinVar ID: VCV000446316 /PMID: 23418020). Therefore, this variant is classified as Pathogenic according to the recommendation of ACMG/AMP guideline.

Labcorp Genetics (formerly Invitae), Labcorp
Classification: Pathogenic for Saldino-Mainzer syndrome. Last evaluated: 2025-04-16. Review status: criteria provided, single submitter. Criteria: Invitae Variant Classification Sherloc (09022015). Collection method: clinical testing. Allele origin: germline.
Comment: This sequence change creates a premature translational stop signal (p.Arg760*) in the IFT140 gene. It is expected to result in an absent or disrupted protein product. Loss-of-function variants in IFT140 are known to be pathogenic (PMID: 22503633, 23418020, 24009529, 26216056). This variant is not present in population databases (gnomAD no frequency). This premature translational stop signal has been observed in individual(s) with clinical features of short-rib thoracic dysplasia (PMID: 28288023). In at least one individual the data is consistent with being in trans (on the opposite chromosome) from a pathogenic variant. ClinVar contains an entry for this variant (Variation ID: 446316). For these reasons, this variant has been classified as Pathogenic.

Fulgent Genetics
Classification: Pathogenic for Saldino-Mainzer syndrome; Retinitis pigmentosa 80. Last evaluated: 2024-04-19. Review status: criteria provided, single submitter. Criteria: ACMG Guidelines, 2015. Collection method: clinical testing. Allele origin: germline.

OMIM
Classification: Pathogenic for SHORT-RIB THORACIC DYSPLASIA 9 WITHOUT POLYDACTYLY. Last evaluated: 2024-02-13. Review status: no assertion criteria provided. Collection method: literature only. Allele origin: germline. Not counted in ClinVar's aggregate classification.

Literature cited by the submitters: PubMed 23418020 (cited by 3billion and Labcorp Genetics (formerly Invitae), Labcorp); PubMed 22503633 (cited by Labcorp Genetics (formerly Invitae), Labcorp); PubMed 24009529 (cited by Labcorp Genetics (formerly Invitae), Labcorp); PubMed 26216056 (cited by Labcorp Genetics (formerly Invitae), Labcorp); PubMed 28288023 (cited by Labcorp Genetics (formerly Invitae), Labcorp and OMIM).

NM_014714.4(IFT140):c.2278C>T (p.Arg760Ter)

Gene: IFT140 (intraflagellar transport 140; minus strand). Cytogenetic location: 16p13.3.
Variant type: single nucleotide variant.
Coding change: c.2278C>T on transcript NM_014714.4 (MANE Select); coding-DNA position 2278, C replaced by T.
Protein change: p.Arg760Ter; replaces arginine 760 with a stop codon.
Molecular consequence: nonsense.
Genome position (GRCh38, 1-based): chr16:1,558,056, G>A on the plus strand (C>T on the coding strand, the complement: IFT140 is on the minus strand). VCF-style: chr16-1558056-G-A. GRCh37 (hg19) VCF-style: chr16-1608057-G-A.
Other names: short protein forms R760*.
Identifiers: ClinVar variation 446316 (VCV000446316.14), dbSNP rs1555486629, ClinGen allele CA394200793.
Genomic context (GRCh38, chr16:1,558,056, plus strand): 5'-TGAAGTGGAGCATGGCGTCCCGGGTGGCCTTGTCGCAGTCCTCCAGCCCCACAAAGTCTC[G>A]CAGGGGTCTCCTGGACACCATCTGAGGGATGTGGTGGCACCCAGGCTCCACCTCGTCTTC-3'